The following is an entry in ClinVar:

NM_001048174.2(MUTYH):c.1202G>C (p.Gly401Ala)

Gene: MUTYH (mutY DNA glycosylase; minus strand). Cytogenetic location: 1p34.1.
Variant type: single nucleotide variant.
Coding change: c.1202G>C on transcript NM_001048174.2 (MANE Select); coding-DNA position 1202, G replaced by C.
Protein change: p.Gly401Ala; replaces glycine 401 with alanine.
Molecular consequence: missense variant. On other transcripts: non-coding transcript variant (7).
Genome position (GRCh38, 1-based): chr1:45,331,457, C>G on the plus strand (G>C on the coding strand, the complement: MUTYH is on the minus strand). VCF-style: chr1-45331457-C-G. GRCh37 (hg19) VCF-style: chr1-45797129-C-G.
Other names: c.1202G>C, p.Gly401Ala (NM_001048171.2, NM_001048173.2, NM_001293195.2 and 6 more transcripts); c.1205G>C, p.Gly402Ala (NM_001048172.2, NM_001407071.1, NM_001407078.1 and 1 more transcripts); c.1286G>C, p.Gly429Ala (NM_001128425.2); c.1247G>C, p.Gly416Ala (NM_001293190.2); c.1235G>C, p.Gly412Ala (NM_001293191.2, NM_001407069.1, NM_001407077.1); c.926G>C, p.Gly309Ala (NM_001293192.2, NM_001293196.2, NM_001407091.1); c.857G>C, p.Gly286Ala (NM_001350650.2, NM_001350651.2, NM_001407082.1); c.1118G>C, p.Gly373Ala (NM_001407075.1); and 5 more; short protein forms G408A, G429A, G286A, G387A, G402A, G412A, G415A, G309A.
Identifiers: ClinVar variation 2701377 (VCV002701377.3), dbSNP rs1570372277, ClinGen allele CA340132892.

ClinVar aggregate classification (germline): Uncertain significance (1 of 4 stars; one submission).

Conditions:
Familial adenomatous polyposis 2. Also called: COLORECTAL ADENOMATOUS POLYPOSIS, AUTOSOMAL RECESSIVE; ADENOMAS, MULTIPLE COLORECTAL, AUTOSOMAL RECESSIVE; FAP type 2; MUTYH Polyposis; MYH-associated polyposis; Adenomas, multiple colorectal. Identifiers: Orphanet 220460, Orphanet 247798, MedGen C3272841, MONDO:0012041, OMIM 608456.

Submission:

Labcorp Genetics (formerly Invitae), Labcorp
Classification: Uncertain significance for Familial adenomatous polyposis 2. Last evaluated: 2023-12-08. Review status: criteria provided, single submitter. Criteria: Invitae Variant Classification Sherloc (09022015). Collection method: clinical testing. Allele origin: germline.
Comment: This sequence change replaces glycine, which is neutral and non-polar, with alanine, which is neutral and non-polar, at codon 429 of the MUTYH protein (p.Gly429Ala). This variant is not present in population databases (gnomAD no frequency). This variant has not been reported in the literature in individuals affected with MUTYH-related conditions. An algorithm developed to predict the effect of missense changes on protein structure and function (PolyPhen-2) suggests that this variant is likely to be tolerated. In summary, the available evidence is currently insufficient to determine the role of this variant in disease. Therefore, it has been classified as a Variant of Uncertain Significance.